The following is an entry in ClinVar:

NM_020975.6(RET):c.2940-197C>T

Gene: RET (ret proto-oncogene; plus strand). Cytogenetic location: 10q11.21.
Variant type: single nucleotide variant.
Coding change: c.2940-197C>T on transcript NM_020975.6 (MANE Select); 197 bases into the intron before coding-DNA position 2940, C replaced by T.
Molecular consequence: intron variant.
Genome position (GRCh38, 1-based): chr10:43,124,686, C>T. VCF-style: chr10-43124686-C-T. GRCh37 (hg19) VCF-style: chr10-43620134-C-T.
Other names: c.2940-197C>T (NM_020630.7, NM_001406743.1, NM_001406744.1 and 2 more transcripts); c.2805-197C>T (NM_001406765.1, NM_001406763.1); c.2544-197C>T (NM_001406772.1, NM_001406769.1); c.2502-197C>T (NM_001406773.1, NM_001406771.1); c.2043-197C>T (NM_001406782.1, NM_001406780.1, NM_001406779.1 and 1 more transcripts); c.1908-197C>T (NM_001406787.1); c.1923-197C>T (NM_001406785.1); c.2811-197C>T (NM_001406764.1, NM_001406762.1, NM_001406761.1); and 10 more.
Identifiers: ClinVar variation 677074 (VCV000677074.3), dbSNP rs3026781, ClinGen allele CA13264955.

ClinVar aggregate classification (germline): Benign (1 of 4 stars; one submission).

Allele frequency attached by ClinVar (database versions not stated): gnomAD 0.17069 and 0.17341; 1000 Genomes Project 0.17093; 1000 Genomes Project 30x 0.17208; TOPMed 0.17389.
gnomAD v4.1: 26,409 of 152,216 alleles (17%); highest among the groups gnomAD compares: Admixed American, 25%; 2,539 homozygotes.

Submission:

GeneDx
Classification: Benign. Last evaluated: 2018-06-20. Review status: criteria provided, single submitter. Criteria: GeneDx Variant Classification (06012015). Collection method: clinical testing. Allele origin: germline. Affected: yes.
Comment: This variant is considered likely benign or benign based on one or more of the following criteria: it is a conservative change, it occurs at a poorly conserved position in the protein, it is predicted to be benign by multiple in silico algorithms, and/or has population frequency not consistent with disease.